The following is an entry in ClinVar:

NM_000059.4(BRCA2):c.8650del (p.Tyr2884fs)

Gene: BRCA2 (BRCA2 DNA repair associated; plus strand). Cytogenetic location: 13q13.1.
Variant type: Deletion.
Coding change: c.8650del on transcript NM_000059.4 (MANE Select); coding-DNA position 8650, one base deleted (T; older notation c.8650delT).
Protein change: p.Tyr2884fs; shifts the reading frame from tyrosine 2884.
Molecular consequence: frameshift variant.
Genome position (GRCh38, 1-based): chr13:32,376,687, T deleted. VCF-style (leftmost placement, unchanged base first): chr13-32376686-AT-A. GRCh37 (hg19) VCF-style: chr13-32950823-AT-A.
Other names: short protein forms Y2884fs.
Identifiers: ClinVar variation 918297 (VCV000918297.6), dbSNP rs2072874502, ClinGen allele CA1139663180.
Genomic context (GRCh38, chr13:32,376,686, plus strand): 5'-TGAATTTACAGTTTAGTGAATTAATAATCCTTTTGTTTTCTTAGAAAACACAACAAAACC[AT>A]ATTTACCATCACGTGCACTAACAAGACAGCAAGTTCGTGCTTTGCAAGATGGTGCAGAGC-3'

ClinVar aggregate classification (germline): Pathogenic/Likely pathogenic. Review status: criteria provided, multiple submitters, no conflicts (2 of 4 stars). 3 submissions from 3 submitters: Pathogenic (2); Likely pathogenic (1). Last evaluated 2024-05-13.

Conditions:
Hereditary breast ovarian cancer syndrome. Also called: BRCA1- and BRCA2-Associated Hereditary Breast and Ovarian Cancer; Hereditary breast and ovarian cancer syndrome; Hereditary breast and ovarian cancer; Hereditary breast and ovarian cancer syndrome (HBOC); Breast and ovarian cancer; Hereditary breast and/or ovarian cancer syndrome. Identifiers: Orphanet 145, MedGen C0677776, MeSH D061325, MONDO:0003582. Disease mechanism: loss of function.
Familial cancer of breast. Also called: BREAST CANCER, FAMILIAL; Hereditary breast cancer; hereditary breast carcinoma. Identifiers: Orphanet 227535, MedGen C0346153, MONDO:0016419, OMIM 114480. Disease mechanism: loss of function.
Hereditary cancer-predisposing syndrome. Also called: Neoplastic Syndromes, Hereditary; Tumor predisposition; Hereditary Cancer Syndrome; Hereditary neoplastic syndrome. Identifiers: Orphanet 140162, MedGen C0027672, MeSH D009386, MONDO:0015356.

Submissions (3):

Labcorp Genetics (formerly Invitae), Labcorp
Classification: Pathogenic for Hereditary breast ovarian cancer syndrome. Last evaluated: 2024-05-13. Review status: criteria provided, single submitter. Criteria: Invitae Variant Classification Sherloc (09022015). Collection method: clinical testing. Allele origin: germline.
Comment: This sequence change creates a premature translational stop signal (p.Tyr2884Ilefs*7) in the BRCA2 gene. It is expected to result in an absent or disrupted protein product. Loss-of-function variants in BRCA2 are known to be pathogenic (PMID: 20104584). This variant is not present in population databases (gnomAD no frequency). This variant has not been reported in the literature in individuals affected with BRCA2-related conditions. ClinVar contains an entry for this variant (Variation ID: 918297). For these reasons, this variant has been classified as Pathogenic.

Baylor Genetics
Classification: Likely pathogenic for Familial cancer of breast. Last evaluated: 2023-11-10. Review status: criteria provided, single submitter. Criteria: ACMG Guidelines, 2015. Collection method: clinical testing. Allele origin: unknown.

Color Diagnostics, LLC DBA Color Health
Classification: Pathogenic for Hereditary cancer-predisposing syndrome. Last evaluated: 2019-11-18. Review status: criteria provided, single submitter. Criteria: ACMG Guidelines, 2015. Collection method: clinical testing. Allele origin: germline.
Comment: This variant deletes 1 nucleotide in exon 21 of the BRCA2 gene, creating a frameshift and premature translation stop signal. This variant is expected to result in an absent or non-functional protein product. Splice site prediction tools suggest that this variant may not impact RNA splicing. To our knowledge, functional studies have not been performed for this variant. This variant has not been reported in individuals affected with hereditary cancer in the literature. This variant has not been identified in the general population by the Genome Aggregation Database (gnomAD). Loss of BRCA2 function is a known mechanism of disease. Based on the available evidence, this variant is classified as Pathogenic.

Literature cited by the submitters: PubMed 20104584 (cited by Labcorp Genetics (formerly Invitae), Labcorp).